The following is an entry in ClinVar:

NM_004655.4(AXIN2):c.1528A>G (p.Thr510Ala)

Gene: AXIN2 (axin 2; minus strand). Cytogenetic location: 17q24.1.
Variant type: single nucleotide variant.
Coding change: c.1528A>G on transcript NM_004655.4 (MANE Select); coding-DNA position 1528, A replaced by G.
Protein change: p.Thr510Ala; replaces threonine 510 with alanine.
Molecular consequence: missense variant.
Genome position (GRCh38, 1-based): chr17:65,537,508, T>C on the plus strand (A>G on the coding strand, the complement: AXIN2 is on the minus strand). VCF-style: chr17-65537508-T-C. GRCh37 (hg19) VCF-style: chr17-63533626-T-C.
Other names: c.1528A>G (LRG_296t1); c.1528A>G, p.Thr510Ala (NM_001363813.1); short protein forms T510A.
Identifiers: ClinVar variation 648472 (VCV000648472.12), dbSNP rs1598098899, ClinGen allele CA400677328.
Genomic context (GRCh38, chr17:65,537,508, plus strand): 5'-CCTCCTTGGTCTTGGGGACGGCATGGTGGTGGATGTAGTGGTGGTGGACATGCTTCGTCG[T>C]CTGCTTGGTCACAAAGCCTTTGCCCCCGAGGAGGGGGCAGGCGCCCGGCGAGGCGGCCGC-3'
Protein context (NP_004646.3, residues 500-520): LGGKGFVTKQ[Thr510Ala]TKHVHHHYIH

ClinVar aggregate classification (germline): Conflicting classifications of pathogenicity. Review status: criteria provided, conflicting classifications (1 of 4 stars). 3 submissions from 3 submitters: Uncertain significance (2); Likely benign (1). Last evaluated 2026-07-31.

Conditions:
Colorectal cancer. Also called: Malignant Colorectal Neoplasm; Colorectal cancer, somatic. Identifiers: MedGen C0346629, MONDO:0005575, OMIM 114500.
Hereditary cancer-predisposing syndrome. Also called: Neoplastic Syndromes, Hereditary; Hereditary Cancer Syndrome; Hereditary neoplastic syndrome; Tumor predisposition. Identifiers: Orphanet 140162, MedGen C0027672, MeSH D009386, MONDO:0015356.
Oligodontia-cancer predisposition syndrome. Also called: TOOTH AGENESIS-COLORECTAL CANCER SYNDROME. Identifiers: Orphanet 300576, MedGen C1837750, MONDO:0012075, OMIM 608615. Disease mechanism: loss of function.

Submissions (3):

Ambry Genetics
Classification: Likely benign for Hereditary cancer-predisposing syndrome. Last evaluated: 2026-07-31. Review status: criteria provided, single submitter. Criteria: Ambry Variant Classification Scheme 2023. Collection method: clinical testing. Allele origin: germline.

Labcorp Genetics (formerly Invitae), Labcorp
Classification: Uncertain significance for Oligodontia-cancer predisposition syndrome. Last evaluated: 2024-12-14. Review status: criteria provided, single submitter. Criteria: Invitae Variant Classification Sherloc (09022015). Collection method: clinical testing. Allele origin: germline.
Comment: This sequence change replaces threonine, which is neutral and polar, with alanine, which is neutral and non-polar, at codon 510 of the AXIN2 protein (p.Thr510Ala). This variant is not present in population databases (gnomAD no frequency). This variant has not been reported in the literature in individuals affected with AXIN2-related conditions. ClinVar contains an entry for this variant (Variation ID: 648472). Invitae Evidence Modeling of protein sequence and biophysical properties (such as structural, functional, and spatial information, amino acid conservation, physicochemical variation, residue mobility, and thermodynamic stability) indicates that this missense variant is not expected to disrupt AXIN2 protein function with a negative predictive value of 80%. In summary, the available evidence is currently insufficient to determine the role of this variant in disease. Therefore, it has been classified as a Variant of Uncertain Significance.

Baylor Genetics
Classification: Uncertain significance for Colorectal cancer. Last evaluated: 2023-10-27. Review status: criteria provided, single submitter. Criteria: ACMG Guidelines, 2015. Collection method: clinical testing. Allele origin: unknown.